The following is an entry in ClinVar:

NM_017547.4(FOXRED1):c.789_810+14del

Gene: FOXRED1 (FAD dependent oxidoreductase domain containing 1; plus strand). Cytogenetic location: 11q24.2.
Variant type: Deletion.
Coding change: c.789_810+14del on transcript NM_017547.4 (MANE Select); coding-DNA position 789 through 14 bases into the intron after coding-DNA position 810, 36 bases deleted.
Molecular consequence: splice donor variant.
Genome position (GRCh38, 1-based): chr11:126,275,849-126,275,884, 36 bases deleted. GRCh37 (hg19): chr11:126,145,744-126,145,779.
Other names: c.279_300+14del (NM_001425168.1, NM_001425170.1, NM_001425169.1); c.819_840+14del (NM_001425160.1); c.789_810+14del (NM_001425161.1, NM_001425165.1, NM_001425166.1 and 1 more transcripts); c.687_708+14del (NM_001425167.1); c.228_249+14del (NM_001425171.1, NM_001425172.1); c.156_177+14del (NM_001425174.1, NM_001425175.1, NM_001425173.1); c.786_807+14del (NM_001425164.1).
Identifiers: ClinVar variation 3674310 (VCV003674310.2).
Genomic context (GRCh38, chr11:126,275,848, plus strand): 5'-CTGCAGGTTTTGTCTCTTCATCTCAACGCATGTTGACCACAGATGACAAAGCGGTGGTCT[TGAAAAGGATCCATGAAGTCCATGTAAGTTTCTAGTC>T]TGTGATGTCCTTTACCAAAATGGAGGGACAGGGAAGGTAGTGACTCTCCTTGTTTTGGTT-3'

ClinVar aggregate classification (germline): Likely pathogenic (1 of 4 stars; one submission).

Submission:

Labcorp Genetics (formerly Invitae), Labcorp
Classification: Likely pathogenic. Last evaluated: 2024-09-16. Review status: criteria provided, single submitter. Criteria: Invitae Variant Classification Sherloc (09022015). Collection method: clinical testing. Allele origin: germline.
Comment: This variant results in the deletion of part of exon 7 (c.789_810+14del) of the FOXRED1 gene. It is expected to disrupt RNA splicing. Variants that disrupt the donor or acceptor splice site typically lead to a loss of protein function (PMID: 16199547), and loss-of-function variants in FOXRED1 are known to be pathogenic (PMID: 20818383, 20858599). This variant is not present in population databases (gnomAD no frequency). This variant has not been reported in the literature in individuals affected with FOXRED1-related conditions. In summary, the currently available evidence indicates that the variant is pathogenic, but additional data are needed to prove that conclusively. Therefore, this variant has been classified as Likely Pathogenic.

Literature cited by the submitters: PubMed 16199547; PubMed 20818383; PubMed 20858599.